The following is an entry in ClinVar:

ClinVar aggregate classification (germline): Uncertain significance (1 of 4 stars; one submission).

Conditions:
PLCG2-related disorder. Also called: PLCG2-related condition.

gnomAD v4.1: 20 of 1,613,976 alleles (0.0012%); highest among the groups gnomAD compares: South Asian, 0.014%; no homozygotes.

Submission:

PreventionGenetics, part of Exact Sciences
Classification: Uncertain significance for PLCG2-related condition. Last evaluated: 2024-11-01. Review status: criteria provided, single submitter. Criteria: ACMG Guidelines, 2015. Collection method: clinical testing. Allele origin: germline.
Comment: The PLCG2 c.1861C>T variant is predicted to result in the amino acid substitution p.His621Tyr. To our knowledge, this variant has not been reported in the literature. This variant is reported in 0.016% of alleles in individuals of South Asian descent in gnomAD. At this time, the clinical significance of this variant is uncertain due to the absence of conclusive functional and genetic evidence.

NM_002661.5(PLCG2):c.1861C>T (p.His621Tyr)

Gene: PLCG2 (phospholipase C gamma 2; plus strand). Cytogenetic location: 16q23.3.
Variant type: single nucleotide variant.
Coding change: c.1861C>T on transcript NM_002661.5 (MANE Select); coding-DNA position 1861, C replaced by T.
Protein change: p.His621Tyr; replaces histidine 621 with tyrosine.
Molecular consequence: missense variant.
Genome position (GRCh38, 1-based): chr16:81,910,647, C>T. VCF-style: chr16-81910647-C-T. GRCh37 (hg19) VCF-style: chr16-81944252-C-T.
Other names: c.1861C>T, p.His621Tyr (NM_001425749.1, NM_001425750.1, NM_001425751.1); short protein forms H621Y.
Identifiers: ClinVar variation 4979615 (VCV004979615.1).